The following is an entry in ClinVar:

ClinVar aggregate classification (germline): Uncertain significance. Review status: criteria provided, multiple submitters, no conflicts (2 of 4 stars). 2 submissions from 2 submitters: Uncertain significance (2). Last evaluated 2022-12-01.

Allele frequency attached by ClinVar (database versions not stated): gnomAD exomes below 0.00001.
gnomAD v4.1: 2 of 1,614,174 alleles (0.00012%); highest among the groups gnomAD compares: East Asian, 0.0022%; no homozygotes.

Submissions (2):

CeGaT Center for Human Genetics Tuebingen
Classification: Uncertain significance. Last evaluated: 2022-12-01. Review status: criteria provided, single submitter. Criteria: CeGaT Center For Human Genetics Tuebingen Variant Classification Criteria Version 2. Collection method: clinical testing. Allele origin: germline. Affected: yes. Observed: 1 variant allele.
Comment: TRRAP: PM2

GeneDx
Classification: Uncertain significance. Last evaluated: 2020-01-03. Review status: criteria provided, single submitter. Criteria: GeneDx Variant Classification Process June 2021. Collection method: clinical testing. Allele origin: germline. Affected: yes.
Comment: Not observed in large population cohorts (Lek et al., 2016); In silico analysis, which includes protein predictors and evolutionary conservation, supports that this variant does not alter protein structure/function; Has not been previously published as pathogenic or benign to our knowledge

NM_001375524.1(TRRAP):c.772A>G (p.Ile258Val)

Gene: TRRAP (transformation/transcription domain associated protein; plus strand). Cytogenetic location: 7q22.1.
Variant type: single nucleotide variant.
Coding change: c.772A>G on transcript NM_001375524.1 (MANE Select); coding-DNA position 772, A replaced by G.
Protein change: p.Ile258Val; replaces isoleucine 258 with valine.
Molecular consequence: missense variant.
Genome position (GRCh38, 1-based): chr7:98,899,739, A>G. VCF-style: chr7-98899739-A-G. GRCh37 (hg19) VCF-style: chr7-98497362-A-G.
Other names: c.772A>G, p.Ile258Val (NM_001244580.2, NM_003496.4); short protein forms I258V.
Identifiers: ClinVar variation 1311844 (VCV001311844.26), dbSNP rs1584283772, ClinGen allele CA368280445.
Genomic context (GRCh38, chr7:98,899,739, plus strand): 5'-CTCTACAAACTGAACATCCACAATGTTGTTGCTGAGTTTGTGCCCTTGATCATGAACACC[A>G]TTGCCATTCAGGTGTCTGCACAAGCGAGGTGAGGCGTCACTGTAGCCGGCTGCCACAGTG-3'
Protein context (NP_001362453.1, residues 248-268): AEFVPLIMNT[Ile258Val]AIQVSAQARQ